The following is an entry in ClinVar:

NM_024665.7(TBL1XR1):c.350C>T (p.Ala117Val)

Gene: TBL1XR1 (TBL1X/Y related 1; minus strand). Cytogenetic location: 3q26.32.
Variant type: single nucleotide variant.
Coding change: c.350C>T on transcript NM_024665.7 (MANE Select); coding-DNA position 350, C replaced by T.
Protein change: p.Ala117Val; replaces alanine 117 with valine.
Molecular consequence: missense variant.
Genome position (GRCh38, 1-based): chr3:177,051,581, G>A on the plus strand (C>T on the coding strand, the complement: TBL1XR1 is on the minus strand). VCF-style: chr3-177051581-G-A. GRCh37 (hg19) VCF-style: chr3-176769369-G-A.
Other names: c.350C>T, p.Ala117Val (NM_001321193.3, NM_001321194.3, NM_001374327.1 and 2 more transcripts); c.89C>T, p.Ala30Val (NM_001321195.3, NM_001374330.1); short protein forms A30V, A117V.
Identifiers: ClinVar variation 1902761 (VCV001902761.5), dbSNP rs1717093648, ClinGen allele CA355553199.

ClinVar aggregate classification (germline): Uncertain significance (1 of 4 stars; one submission).

Conditions:
Pierpont syndrome (PRPTS). Identifiers: Orphanet 487825, MedGen C1865644, MONDO:0011213, OMIM 602342.

Allele frequency attached by ClinVar (database versions not stated): gnomAD exomes below 0.00001; TOPMed below 0.00001.
gnomAD v4.1: 2 of 1,613,428 alleles (0.00012%); highest among the groups gnomAD compares: Non-Finnish European, 0.00017%; no homozygotes.

Submission:

Labcorp Genetics (formerly Invitae), Labcorp
Classification: Uncertain significance for Pierpont syndrome. Last evaluated: 2024-10-29. Review status: criteria provided, single submitter. Criteria: Invitae Variant Classification Sherloc (09022015). Collection method: clinical testing. Allele origin: germline.
Comment: This sequence change replaces alanine, which is neutral and non-polar, with valine, which is neutral and non-polar, at codon 117 of the TBL1XR1 protein (p.Ala117Val). This variant is not present in population databases (gnomAD no frequency). This variant has not been reported in the literature in individuals affected with TBL1XR1-related conditions. ClinVar contains an entry for this variant (Variation ID: 1902761). Invitae Evidence Modeling of protein sequence and biophysical properties (such as structural, functional, and spatial information, amino acid conservation, physicochemical variation, residue mobility, and thermodynamic stability) indicates that this missense variant is not expected to disrupt TBL1XR1 protein function with a negative predictive value of 95%. In summary, the available evidence is currently insufficient to determine the role of this variant in disease. Therefore, it has been classified as a Variant of Uncertain Significance.